The following is an entry in ClinVar:

ClinVar aggregate classification (germline): Uncertain significance. Review status: criteria provided, multiple submitters, no conflicts (2 of 4 stars). 2 submissions from 2 submitters: Uncertain significance (2). Last evaluated 2025-09-02.

gnomAD v4.1: 3 of 1,614,204 alleles (0.00019%); highest among the groups gnomAD compares: Non-Finnish European, 0.00025%; no homozygotes.

Submissions (2):

Labcorp Genetics (formerly Invitae), Labcorp
Classification: Uncertain significance. Last evaluated: 2025-09-02. Review status: criteria provided, single submitter. Criteria: Invitae Variant Classification Sherloc (09022015). Collection method: clinical testing. Allele origin: germline.
Comment: This sequence change replaces histidine, which is basic and polar, with arginine, which is basic and polar, at codon 4051 of the RNF213 protein (p.His4051Arg). This variant is not present in population databases (gnomAD no frequency). This variant has not been reported in the literature in individuals affected with RNF213-related conditions. ClinVar contains an entry for this variant (Variation ID: 3777278). Invitae Evidence Modeling of protein sequence and biophysical properties (such as structural, functional, and spatial information, amino acid conservation, physicochemical variation, residue mobility, and thermodynamic stability) indicates that this missense variant is not expected to disrupt RNF213 protein function with a negative predictive value of 95%. In summary, the available evidence is currently insufficient to determine the role of this variant in disease. Therefore, it has been classified as a Variant of Uncertain Significance.

GeneDx
Classification: Uncertain significance. Last evaluated: 2025-07-02. Review status: criteria provided, single submitter. Criteria: GeneDx Variant Classification Process June 2021. Collection method: clinical testing. Allele origin: germline.
Comment: Not observed at significant frequency in large population cohorts (gnomAD); In silico analysis supports that this missense variant has a deleterious effect on protein structure/function; Has not been previously published as pathogenic or benign to our knowledge

NM_001256071.3(RNF213):c.12152A>G (p.His4051Arg)

Genes: RNF213 (ring finger protein 213; plus strand), RNF213-AS1 (RNF213 antisense RNA 1; minus strand). Cytogenetic location: 17q25.3.
Variant type: single nucleotide variant.
Coding change: c.12152A>G on transcript NM_001256071.3 (MANE Select); coding-DNA position 12152, A replaced by G.
Protein change: p.His4051Arg; replaces histidine 4051 with arginine.
Molecular consequence: missense variant.
Genome position (GRCh38, 1-based): chr17:80,368,140, A>G. VCF-style: chr17-80368140-A-G. GRCh37 (hg19) VCF-style: chr17-78341940-A-G.
Other names: c.12299A>G, p.His4100Arg (NM_001410195.1, NM_020914.5); short protein forms H4051R, H4100R.
Identifiers: ClinVar variation 3777278 (VCV003777278.3).